The following is an entry in ClinVar:

NM_000834.5(GRIN2B):c.748A>T (p.Thr250Ser)

Gene: GRIN2B (glutamate ionotropic receptor NMDA type subunit 2B; minus strand). Cytogenetic location: 12p13.1.
Variant type: single nucleotide variant.
Coding change: c.748A>T on transcript NM_000834.5 (MANE Select); coding-DNA position 748, A replaced by T.
Protein change: p.Thr250Ser; replaces threonine 250 with serine.
Molecular consequence: missense variant.
Genome position (GRCh38, 1-based): chr12:13,753,579, T>A on the plus strand (A>T on the coding strand, the complement: GRIN2B is on the minus strand). VCF-style: chr12-13753579-T-A. GRCh37 (hg19) VCF-style: chr12-13906513-T-A.
Other names: short protein forms T250S.
Identifiers: ClinVar variation 1468530 (VCV001468530.8), dbSNP rs2136629146, ClinGen allele CA384053624.

ClinVar aggregate classification (germline): Uncertain significance (1 of 4 stars; one submission).

Conditions:
Intellectual developmental disorder, autosomal dominant 6, with or without seizures. Also called: Intellectual disability, autosomal dominant 6; GRIN2B-related developmental delay, intellectual disability and autism spectrum disorder. Identifiers: Orphanet 589547, MedGen C3151411, MONDO:0013509, OMIM 613970.
Developmental and epileptic encephalopathy, 27 (DEE27). Also called: Epileptic encephalopathy, early infantile, 27; GRIN2B-Related Neurodevelopmental Disorder. Identifiers: Orphanet 3451, MedGen C4015316, MONDO:0014505, OMIM 616139.

Submission:

Labcorp Genetics (formerly Invitae), Labcorp
Classification: Uncertain significance for Developmental and epileptic encephalopathy, 27; Intellectual developmental disorder, autosomal dominant 6, with or without seizures. Last evaluated: 2022-09-06. Review status: criteria provided, single submitter. Criteria: Invitae Variant Classification Sherloc (09022015). Collection method: clinical testing. Allele origin: germline.
Comment: In summary, the available evidence is currently insufficient to determine the role of this variant in disease. Therefore, it has been classified as a Variant of Uncertain Significance. Algorithms developed to predict the effect of missense changes on protein structure and function (SIFT, PolyPhen-2, Align-GVGD) all suggest that this variant is likely to be tolerated. This sequence change replaces threonine, which is neutral and polar, with serine, which is neutral and polar, at codon 250 of the GRIN2B protein (p.Thr250Ser). This variant is not present in population databases (gnomAD no frequency). This variant has not been reported in the literature in individuals affected with GRIN2B-related conditions. ClinVar contains an entry for this variant (Variation ID: 1468530).